The following is an entry in ClinVar:

NM_002049.4(GATA1):c.470_471del (p.Pro157fs)

Gene: GATA1 (GATA binding protein 1; plus strand). Cytogenetic location: Xp11.23.
Variant type: Deletion.
Coding change: c.470_471del on transcript NM_002049.4 (MANE Select); coding-DNA positions 470 to 471, 2 bases deleted (CT; older notation c.470_471delCT).
Protein change: p.Pro157fs; shifts the reading frame from proline 157.
Molecular consequence: frameshift variant.
Genome position (GRCh38, 1-based): chrX:48,792,093-48,792,094, CT deleted. VCF-style (leftmost placement, unchanged base first): chrX-48792092-CCT-C. GRCh37 (hg19) VCF-style: chrX-48650499-CCT-C.
Other names: short protein forms P157fs.
Identifiers: ClinVar variation 2500744 (VCV002500744.3), dbSNP rs2519344800, ClinGen allele CA2573050759.

ClinVar aggregate classification (germline): Pathogenic (1 of 4 stars; one submission).

Conditions:
GATA binding protein 1 related thrombocytopenia with dyserythropoiesis. Also called: GATA1-Related Cytopenia; GATA1-Related X-Linked Cytopenia. Identifiers: MedGen C1845837, MONDO:0100089.

Submission:

Victorian Clinical Genetics Services, Murdoch Childrens Research Institute
Classification: Pathogenic for GATA binding protein 1 related thrombocytopenia with dyserythropoiesis. Last evaluated: 2022-02-02. Review status: criteria provided, single submitter. Criteria: ACMG Guidelines, 2015. Collection method: clinical testing. Allele origin: germline. Inheritance: X-linked inheritance. Affected: yes.
Comment: Based on the classification scheme VCGS_Germline_v1.3.4, this variant is classified as Pathogenic. Following criteria are met: 0102 - Loss of function is a known mechanism of disease in this gene and is associated with GATA1-related X-linked cytopaenia (MONDO#0100089). (I) 0109 - This gene is associated with X-linked disease. Although males are more severely affected, females can have a milder phenotype, composed of mild anaemia and thrombocytopaenia (PMID: 33611093). (I) 0201 - Variant is predicted to cause nonsense-mediated decay (NMD) and loss of protein (premature termination codon is located at least 54 nucleotides upstream of the final exon-exon junction). (SP) 0251 - This variant is heterozygous. (I) 0301 - Variant is absent from gnomAD (both v2 and v3). (SP) 0701 - Other NMD predicted variants comparable to the one identified in this case have very strong previous evidence for pathogenicity (ClinVar/DECIPHER). (SP) 0807 - This variant has no previous evidence of pathogenicity. (I) 0905 - No published segregation evidence has been identified for this variant. (I) 1007 - No published functional evidence has been identified for this variant. (SP) Legend: (SP) - Supporting pathogenic, (I) - Information, (SB) - Supporting benign

Literature cited by the submitters: PubMed 33611093.